The following is an entry in ClinVar:

ClinVar aggregate classification (germline): Pathogenic. Review status: criteria provided, multiple submitters, no conflicts (2 of 4 stars). 3 submissions from 3 submitters: Pathogenic (2). 1 of the submissions does not count toward it. Last evaluated 2025-06-12.

Conditions:
Generalized dominant dystrophic epidermolysis bullosa (DDEB). Also called: Dominant DEB (DDEB); DDEB, generalized; DDEB-gen; DYSTROPHIC EPIDERMOLYSIS BULLOSA, AUTOSOMAL DOMINANT; Epidermolysis bullosa dystrophica, autosomal dominant. Identifiers: Orphanet 231568, MedGen C0432322, MONDO:0007549, OMIM 131750.

Submissions (3):

Labcorp Genetics (formerly Invitae), Labcorp
Classification: Pathogenic. Last evaluated: 2025-06-12. Review status: criteria provided, single submitter. Criteria: Invitae Variant Classification Sherloc (09022015). Collection method: clinical testing. Allele origin: germline.
Comment: This sequence change creates a premature translational stop signal (p.Gly1640Valfs*70) in the COL7A1 gene. It is expected to result in an absent or disrupted protein product. Loss-of-function variants in COL7A1 are known to be pathogenic (PMID: 16971478). This variant is not present in population databases (gnomAD no frequency). This premature translational stop signal has been observed in individuals with autosomal recessive dystrophic epidermolysis bullosa (PMID: 10504458, 21448560). ClinVar contains an entry for this variant (Variation ID: 372336). For these reasons, this variant has been classified as Pathogenic.

GeneDx
Classification: Pathogenic. Last evaluated: 2015-07-31. Review status: criteria provided, single submitter. Criteria: GeneDx Variant Classification (06012015). Collection method: clinical testing. Allele origin: germline. Affected: yes.
Comment: The c.4919delG pathogenic variant in the COL7A1 gene has been reported previously in association with RDEB (Whittock et al., 1999, Varki et al 2007). The c.4919delG variant causes a frameshift starting with codon Gly1640, changes this amino acid to a Valine residue, and creates a premature Stop codon at position 70 of the new reading frame, denoted p.Gly1640ValfsX70. This variant is predicted to cause loss of normal protein function either through protein truncation or nonsense-mediated mRNA decay. The c.4919delG deletion was not observed in approximately 6500 individuals of European and African American ancestry in the NHLBI Exome Sequencing Project, indicating it is not a common benign variant in these populations. We interpret c.4919delG as a pathogenic variant.

GeneReviews
No classification provided. Condition: Generalized dominant dystrophic epidermolysis bullosa. Review status: no classification provided. Collection method: literature only. Allele origin: germline. Not counted in ClinVar's aggregate classification.

Literature cited by the submitters: PubMed 16971478 (cited by Labcorp Genetics (formerly Invitae), Labcorp); PubMed 10504458 (cited by Labcorp Genetics (formerly Invitae), Labcorp); PubMed 21448560 (cited by Labcorp Genetics (formerly Invitae), Labcorp).

NM_000094.4(COL7A1):c.4919del (p.Gly1640fs)

Gene: COL7A1 (collagen type VII alpha 1 chain; minus strand). Cytogenetic location: 3p21.31.
Variant type: Deletion.
Coding change: c.4919del on transcript NM_000094.4 (MANE Select); coding-DNA position 4919, one base deleted (G; older notation c.4919delG).
Protein change: p.Gly1640fs; shifts the reading frame from glycine 1640.
Molecular consequence: frameshift variant.
Genome position (GRCh38, 1-based): chr3:48,581,138, C deleted on the plus strand (G on the coding strand, the reverse complement: COL7A1 is on the minus strand); the first of 2 consecutive C bases (chr3:48,581,138-48,581,139); deleting either gives the same sequence. VCF-style (leftmost placement, unchanged base first): chr3-48581137-AC-A. GRCh37 (hg19) VCF-style: chr3-48618570-AC-A.
Other names: c.4919delG (NM_000094.3); short protein forms G1640fs.
Identifiers: ClinVar variation 372336 (VCV000372336.8), dbSNP rs1057517722, ClinGen allele CA16042533.